The following is an entry in ClinVar:

ClinVar aggregate classification (germline): Uncertain significance (1 of 4 stars; one submission).

Submission:

GeneDx
Classification: Uncertain significance. Last evaluated: 2023-11-08. Review status: criteria provided, single submitter. Criteria: GeneDx Variant Classification Process June 2021. Collection method: clinical testing. Allele origin: germline. Affected: yes.
Comment: Not observed at significant frequency in large population cohorts (gnomAD); In silico analysis supports that this missense variant does not alter protein structure/function; Has not been previously published as pathogenic or benign to our knowledge

NM_006015.6(ARID1A):c.6076C>G (p.Gln2026Glu)

Gene: ARID1A (AT-rich interaction domain 1A; plus strand). Cytogenetic location: 1p36.11.
Variant type: single nucleotide variant.
Coding change: c.6076C>G on transcript NM_006015.6 (MANE Select); coding-DNA position 6076, C replaced by G.
Protein change: p.Gln2026Glu; replaces glutamine 2026 with glutamic acid.
Molecular consequence: missense variant.
Genome position (GRCh38, 1-based): chr1:26,779,974, C>G. VCF-style: chr1-26779974-C-G. GRCh37 (hg19) VCF-style: chr1-27106465-C-G.
Other names: c.5425C>G, p.Gln1809Glu (NM_139135.4); short protein forms Q1809E, Q2026E.
Identifiers: ClinVar variation 3363910 (VCV003363910.1).